The following is an entry in ClinVar:

ClinVar aggregate classification (germline): Uncertain significance (0 of 4 stars; one submission).

Conditions:
DIP2C-related disorder. Also called: DIP2C-related condition.

Submission:

PreventionGenetics, part of Exact Sciences
Classification: Uncertain significance for DIP2C-related condition. Last evaluated: 2024-03-26. Review status: no assertion criteria provided. Collection method: clinical testing. Allele origin: germline.
Comment: The DIP2C c.1501A>T variant is predicted to result in the amino acid substitution p.Thr501Ser. To our knowledge, this variant has not been reported in the literature or in a large population database, indicating this variant is rare. At this time, the clinical significance of this variant is uncertain due to the absence of conclusive functional and genetic evidence.

NM_014974.3(DIP2C):c.1501A>T (p.Thr501Ser)

Gene: DIP2C (disco interacting protein 2 homolog C; minus strand). Cytogenetic location: 10p15.3.
Variant type: single nucleotide variant.
Coding change: c.1501A>T on transcript NM_014974.3 (MANE Select); coding-DNA position 1501, A replaced by T.
Protein change: p.Thr501Ser; replaces threonine 501 with serine.
Molecular consequence: missense variant.
Genome position (GRCh38, 1-based): chr10:390,087, T>A on the plus strand (A>T on the coding strand, the complement: DIP2C is on the minus strand). VCF-style: chr10-390087-T-A. GRCh37 (hg19) VCF-style: chr10-436027-T-A.
Other names: short protein forms T501S.
Identifiers: ClinVar variation 3348237 (VCV003348237.1).